The following is an entry in ClinVar:

NM_001372044.2(SHANK3):c.2507A>G (p.Gln836Arg)

Gene: SHANK3 (SH3 and multiple ankyrin repeat domains 3; plus strand). Cytogenetic location: 22q13.33.
Variant type: single nucleotide variant.
Coding change: c.2507A>G on transcript NM_001372044.2 (MANE Select); coding-DNA position 2507, A replaced by G.
Protein change: p.Gln836Arg; replaces glutamine 836 with arginine.
Molecular consequence: missense variant.
Genome position (GRCh38, 1-based): chr22:50,715,685, A>G. VCF-style: chr22-50715685-A-G. GRCh37 (hg19) VCF-style: chr22-51154113-A-G.
Other names: c.2282A>G (NM_033517.1); short protein forms Q836R.
Identifiers: ClinVar variation 1313552 (VCV001313552.2), dbSNP rs2083239098, ClinGen allele CA515258127.

ClinVar aggregate classification (germline): Uncertain significance (1 of 4 stars; one submission).

Allele frequency attached by ClinVar (database versions not stated): TOPMed 0.00001.

Submission:

GeneDx
Classification: Uncertain significance. Last evaluated: 2020-10-27. Review status: criteria provided, single submitter. Criteria: GeneDx Variant Classification Process June 2021. Collection method: clinical testing. Allele origin: germline. Affected: yes.
Comment: Not observed in large population cohorts (Lek et al., 2016); In silico analysis supports that this missense variant has a deleterious effect on protein structure/function; Has not been previously published as pathogenic or benign to our knowledge